The following is an entry in ClinVar:

ClinVar aggregate classification (germline): Likely pathogenic (1 of 4 stars; one submission).

Conditions:
Spondyloepimetaphyseal dysplasia, Guo-Campeau type. Also called: Spondyloepimetaphyseal dysplasia, Guo-Salian type. Identifiers: MedGen C5882737, MONDO:0958006, OMIM 620663.
Hoxha-Aliu syndrome (HXAL). Identifiers: MedGen C5882736, MONDO:0958005, OMIM 620662.

Submission:

First Genomix Gene Laboratory, Genetic Diagnostics Department
Classification: Likely pathogenic for Hoxha-Aliu syndrome; Spondyloepimetaphyseal dysplasia, Guo-Campeau type. Last evaluated: 2025-12-31. Review status: criteria provided, single submitter. Criteria: ACMG Guidelines, 2015. Collection method: clinical testing. Allele origin: germline. Inheritance: Autosomal recessive inheritance. Affected: no. Observed: 1 variant allele.

NM_153332.4(ERI1):c.910C>T (p.Arg304Ter)

Gene: ERI1 (exoribonuclease 1). Cytogenetic location: 8p23.1.
Variant type: single nucleotide variant.
Coding change: c.910C>T on transcript NM_153332.4 (MANE Select); coding-DNA position 910, C replaced by T.
Protein change: p.Arg304Ter; replaces arginine 304 with a stop codon.
Molecular consequence: nonsense. On other transcripts: intron variant (1).
Genome position (GRCh38, 1-based): chr8:9,029,894, C>T. VCF-style: chr8-9029894-C-T. GRCh37 (hg19) VCF-style: chr8-8887404-C-T.
Other names: c.676C>T, p.Arg226Ter (NM_001354635.2); c.565C>T, p.Arg189Ter (NM_001354636.2); c.807+9430C>T (NM_001354638.2); short protein forms R189*, R226*, R304*.
Identifiers: ClinVar variation 4850629 (VCV004850629.1).
Genomic context (GRCh38, chr8:9,029,894, plus strand): 5'-TTAGGAATGGATTATGATGGGCGGCCTCACTGTGGTCTTGATGACTCTAAGAATATCGCC[C>T]GAATAGCAGTTCGAATGCTTCAGGATGGGTGTGAACTCCGAATCAACGAGAAAATGCATG-3'